The following is an entry in ClinVar:

ClinVar aggregate classification (germline): Uncertain significance. Review status: criteria provided, multiple submitters, no conflicts (2 of 4 stars). 2 submissions from 2 submitters: Uncertain significance (2). Last evaluated 2025-06-03.

Conditions:
Inborn genetic diseases. Identifiers: MedGen C0950123, MeSH D030342.

Allele frequency attached by ClinVar (database versions not stated): gnomAD 0.00001; TOPMed 0.00001; ExAC 0.00002.
gnomAD v4.1: 14 of 1,612,468 alleles (0.00087%); highest among the groups gnomAD compares: Admixed American, 0.0083%; no homozygotes.

Submissions (2):

Ambry Genetics
Classification: Uncertain significance for Inborn genetic diseases. Last evaluated: 2025-06-03. Review status: criteria provided, single submitter. Criteria: Ambry Variant Classification Scheme 2023. Collection method: clinical testing. Allele origin: germline.

Labcorp Genetics (formerly Invitae), Labcorp
Classification: Uncertain significance. Last evaluated: 2022-12-02. Review status: criteria provided, single submitter. Criteria: Invitae Variant Classification Sherloc (09022015). Collection method: clinical testing. Allele origin: germline.
Comment: This sequence change replaces proline, which is neutral and non-polar, with leucine, which is neutral and non-polar, at codon 85 of the SEPT9 protein (p.Pro85Leu). This variant is present in population databases (rs757374147, gnomAD 0.01%). In summary, the available evidence is currently insufficient to determine the role of this variant in disease. Therefore, it has been classified as a Variant of Uncertain Significance. Advanced modeling of protein sequence and biophysical properties (such as structural, functional, and spatial information, amino acid conservation, physicochemical variation, residue mobility, and thermodynamic stability) performed at Invitae indicates that this missense variant is not expected to disrupt SEPT9 protein function. This variant has not been reported in the literature in individuals affected with SEPT9-related conditions.

NM_001113491.2(SEPTIN9):c.308C>T (p.Pro103Leu)

Gene: SEPTIN9 (septin 9; plus strand). Cytogenetic location: 17q25.3.
Variant type: single nucleotide variant.
Coding change: c.308C>T on transcript NM_001113491.2 (MANE Select); coding-DNA position 308, C replaced by T.
Protein change: p.Pro103Leu; replaces proline 103 with leucine.
Molecular consequence: missense variant. On other transcripts: 5 prime UTR variant (2).
Genome position (GRCh38, 1-based): chr17:77,402,290, C>T. VCF-style: chr17-77402290-C-T. GRCh37 (hg19) VCF-style: chr17-75398372-C-T.
Other names: c.254C>T (NM_006640.4); c.-185C>T (NM_001113492.2, NM_001113494.1); c.287C>T, p.Pro96Leu (NM_001113493.2); c.251C>T, p.Pro84Leu (NM_001293695.2); c.254C>T, p.Pro85Leu (NM_006640.5); short protein forms P103L, P84L, P85L, P96L.
Identifiers: ClinVar variation 2445523 (VCV002445523.5), dbSNP rs757374147, ClinGen allele CA8793169.